The following is an entry in ClinVar:

ClinVar aggregate classification (germline): Uncertain significance (1 of 4 stars; one submission).

Conditions:
Birt-Hogg-Dube syndrome. Also called: Birt Hogg Dubé syndrome. Identifiers: Orphanet 122, MedGen C0346010, MONDO:0800444.

Submission:

Labcorp Genetics (formerly Invitae), Labcorp
Classification: Uncertain significance for Birt-Hogg-Dube syndrome. Last evaluated: 2024-11-29. Review status: criteria provided, single submitter. Criteria: Invitae Variant Classification Sherloc (09022015). Collection method: clinical testing. Allele origin: germline.
Comment: This sequence change replaces alanine, which is neutral and non-polar, with valine, which is neutral and non-polar, at codon 259 of the FLCN protein (p.Ala259Val). This variant is not present in population databases (gnomAD no frequency). This variant has not been reported in the literature in individuals affected with FLCN-related conditions. ClinVar contains an entry for this variant (Variation ID: 1438558). Invitae Evidence Modeling of protein sequence and biophysical properties (such as structural, functional, and spatial information, amino acid conservation, physicochemical variation, residue mobility, and thermodynamic stability) indicates that this missense variant is not expected to disrupt FLCN protein function with a negative predictive value of 80%. In summary, the available evidence is currently insufficient to determine the role of this variant in disease. Therefore, it has been classified as a Variant of Uncertain Significance.

NM_144997.7(FLCN):c.776C>T (p.Ala259Val)

Gene: FLCN (folliculin; minus strand). Cytogenetic location: 17p11.2.
Variant type: single nucleotide variant.
Coding change: c.776C>T on transcript NM_144997.7 (MANE Select); coding-DNA position 776, C replaced by T.
Protein change: p.Ala259Val; replaces alanine 259 with valine.
Molecular consequence: missense variant.
Genome position (GRCh38, 1-based): chr17:17,222,504, G>A on the plus strand (C>T on the coding strand, the complement: FLCN is on the minus strand). VCF-style: chr17-17222504-G-A. GRCh37 (hg19) VCF-style: chr17-17125818-G-A.
Other names: c.830C>T, p.Ala277Val (NM_001353229.2); c.776C>T, p.Ala259Val (NM_001353230.2, NM_001353231.2, NM_144606.7); short protein forms A259V, A277V.
Identifiers: ClinVar variation 1438558 (VCV001438558.7), dbSNP rs2144947863, ClinGen allele CA398533819.